The following is an entry in ClinVar:

NM_015335.5(MED13L):c.799G>A (p.Val267Met)

Gene: MED13L (mediator complex subunit 13L; minus strand). Cytogenetic location: 12q24.21.
Variant type: single nucleotide variant.
Coding change: c.799G>A on transcript NM_015335.5 (MANE Select); coding-DNA position 799, G replaced by A.
Protein change: p.Val267Met; replaces valine 267 with methionine.
Molecular consequence: missense variant.
Genome position (GRCh38, 1-based): chr12:116,019,799, C>T on the plus strand (G>A on the coding strand, the complement: MED13L is on the minus strand). VCF-style: chr12-116019799-C-T. GRCh37 (hg19) VCF-style: chr12-116457604-C-T.
Other names: c.799G>A (NM_015335.4); short protein forms V267M.
Identifiers: ClinVar variation 1708961 (VCV001708961.3), dbSNP rs1279967440, ClinGen allele CA386870853.

ClinVar aggregate classification (germline): Uncertain significance. Review status: criteria provided, multiple submitters, no conflicts (2 of 4 stars). 2 submissions from 2 submitters: Uncertain significance (2). Last evaluated 2025-05-21.

Conditions:
Cardiac anomalies - developmental delay - facial dysmorphism syndrome (MRFACD). Also called: Impaired intellectual development and distinctive facial features with or without cardiac defects; MED13L Syndrome. Identifiers: Orphanet 369891, MedGen C5192431, MONDO:0014773, OMIM 616789.
Inborn genetic diseases. Identifiers: MedGen C0950123, MeSH D030342.

Allele frequency attached by ClinVar (database versions not stated): gnomAD exomes below 0.00001.

Submissions (2):

Ambry Genetics
Classification: Uncertain significance for Inborn genetic diseases. Last evaluated: 2025-05-21. Review status: criteria provided, single submitter. Criteria: Ambry Variant Classification Scheme 2023. Collection method: clinical testing. Allele origin: germline.

MGZ Medical Genetics Center
Classification: Uncertain significance for Cardiac anomalies - developmental delay - facial dysmorphism syndrome. Last evaluated: 2022-05-04. Review status: criteria provided, single submitter. Criteria: ACMG Guidelines, 2015. Collection method: clinical testing. Allele origin: germline. Affected: yes. Observed: 1 variant allele.
Comment: ACMG criteria applied: PM2_SUP, PP2